The following is an entry in ClinVar:

ClinVar aggregate classification (germline): Uncertain significance (1 of 4 stars; one submission).

Conditions:
Cardiovascular phenotype. Identifiers: MedGen CN230736.

Submission:

Ambry Genetics
Classification: Uncertain significance for Cardiovascular phenotype. Last evaluated: 2025-12-26. Review status: criteria provided, single submitter. Criteria: Ambry Variant Classification Scheme 2023. Collection method: clinical testing. Allele origin: germline.
Comment: The p.T307I variant (also known as c.920C>T), located in coding exon 10 of the EYA4 gene, results from a C to T substitution at nucleotide position 920. The threonine at codon 307 is replaced by isoleucine, an amino acid with similar properties. This amino acid position is conserved. In addition, this alteration is predicted to be tolerated by in silico analysis. Based on the available evidence, the clinical significance of this variant remains unclear.

NM_004100.5(EYA4):c.920C>T (p.Thr307Ile)

Gene: EYA4 (EYA transcriptional coactivator and phosphatase 4; plus strand). Cytogenetic location: 6q23.2.
Variant type: single nucleotide variant.
Coding change: c.920C>T on transcript NM_004100.5 (MANE Select); coding-DNA position 920, C replaced by T.
Protein change: p.Thr307Ile; replaces threonine 307 with isoleucine.
Molecular consequence: missense variant.
Genome position (GRCh38, 1-based): chr6:133,468,681, C>T. VCF-style: chr6-133468681-C-T. GRCh37 (hg19) VCF-style: chr6-133789819-C-T.
Other names: c.758C>T, p.Thr253Ile (NM_001301012.2, NM_001370459.1); c.920C>T, p.Thr307Ile (NM_001301013.2, NM_172105.4); c.851C>T, p.Thr284Ile (NM_001370458.1, NM_172103.4); short protein forms T253I, T284I, T307I.
Identifiers: ClinVar variation 4841639 (VCV004841639.1).